The following is an entry in ClinVar:

ClinVar aggregate classification (germline): Uncertain significance (1 of 4 stars; one submission).

Conditions:
Gastrointestinal stromal tumor. Also called: Gastrointestinal stroma tumor; Gastrointestinal stromal tumor, somatic. Identifiers: Orphanet 44890, MedGen C0238198, MeSH D046152, MONDO:0011719, OMIM 606764, HP:0100723.

Submission:

Labcorp Genetics (formerly Invitae), Labcorp
Classification: Uncertain significance for Gastrointestinal stromal tumor. Last evaluated: 2022-03-11. Review status: criteria provided, single submitter. Criteria: Invitae Variant Classification Sherloc (09022015). Collection method: clinical testing. Allele origin: germline.
Comment: In summary, the available evidence is currently insufficient to determine the role of this variant in disease. Therefore, it has been classified as a Variant of Uncertain Significance. Algorithms developed to predict the effect of missense changes on protein structure and function (SIFT, PolyPhen-2, Align-GVGD) all suggest that this variant is likely to be tolerated. This variant has not been reported in the literature in individuals affected with KIT-related conditions. This variant is not present in population databases (gnomAD no frequency). This sequence change replaces alanine, which is neutral and non-polar, with proline, which is neutral and non-polar, at codon 482 of the KIT protein (p.Ala482Pro).

NM_000222.3(KIT):c.1444G>C (p.Ala482Pro)

Gene: KIT (KIT proto-oncogene, receptor tyrosine kinase; plus strand). Cytogenetic location: 4q12.
Variant type: single nucleotide variant.
Coding change: c.1444G>C on transcript NM_000222.3 (MANE Select); coding-DNA position 1444, G replaced by C.
Protein change: p.Ala482Pro; replaces alanine 482 with proline.
Molecular consequence: missense variant.
Genome position (GRCh38, 1-based): chr4:54,725,954, G>C. VCF-style: chr4-54725954-G-C. GRCh37 (hg19) VCF-style: chr4-55592120-G-C.
Other names: c.1444G>C, p.Ala482Pro (NM_001093772.2, NM_001385285.1, NM_001385286.1); c.1447G>C, p.Ala483Pro (NM_001385284.1, NM_001385288.1, NM_001385290.1 and 1 more transcripts); short protein forms A482P, A483P.
Identifiers: ClinVar variation 2108937 (VCV002108937.4), dbSNP rs1060502569, ClinGen allele CA356906408.